The following is an entry in ClinVar:

ClinVar aggregate classification (germline): Pathogenic (1 of 4 stars; one submission).

Conditions:
3-methylglutaconic aciduria with deafness, encephalopathy, and Leigh-like syndrome (MEGDEL). Also called: 3-METHYLGLUTACONIC ACIDURIA, TYPE VI; SERAC1 Deficiency; MEGDEL syndrome. Identifiers: Orphanet 352328, MedGen C4040739, MONDO:0013875, OMIM 614739.

Submission:

Labcorp Genetics (formerly Invitae), Labcorp
Classification: Pathogenic for 3-methylglutaconic aciduria with deafness, encephalopathy, and Leigh-like syndrome. Last evaluated: 2024-02-20. Review status: criteria provided, single submitter. Criteria: Invitae Variant Classification Sherloc (09022015). Collection method: clinical testing. Allele origin: germline.
Comment: This sequence change creates a premature translational stop signal (p.Glu97*) in the SERAC1 gene. It is expected to result in an absent or disrupted protein product. Loss-of-function variants in SERAC1 are known to be pathogenic (PMID: 22683713). This variant is not present in population databases (gnomAD no frequency). This variant has not been reported in the literature in individuals affected with SERAC1-related conditions. For these reasons, this variant has been classified as Pathogenic.

Literature cited by the submitters: PubMed 22683713.

NM_032861.4(SERAC1):c.289G>T (p.Glu97Ter)

Gene: SERAC1 (serine active site containing 1; minus strand). Cytogenetic location: 6q25.3.
Variant type: single nucleotide variant.
Coding change: c.289G>T on transcript NM_032861.4 (MANE Select); coding-DNA position 289, G replaced by T.
Protein change: p.Glu97Ter; replaces glutamic acid 97 with a stop codon.
Molecular consequence: nonsense. On other transcripts: non-coding transcript variant (1).
Genome position (GRCh38, 1-based): chr6:158,148,931, C>A on the plus strand (G>T on the coding strand, the complement: SERAC1 is on the minus strand). VCF-style: chr6-158148931-C-A. GRCh37 (hg19) VCF-style: chr6-158569963-C-A.
Other names: short protein forms E97*.
Identifiers: ClinVar variation 3642297 (VCV003642297.2).